The following is an entry in ClinVar:

NM_017763.6(RNF43):c.360G>C (p.Leu120=)

Gene: RNF43 (ring finger protein 43; minus strand). Cytogenetic location: 17q22.
Variant type: single nucleotide variant.
Coding change: c.360G>C on transcript NM_017763.6 (MANE Select); coding-DNA position 360, G replaced by C.
Protein change: p.Leu120=; no amino-acid change (leucine 120 retained).
Molecular consequence: synonymous variant. On other transcripts: 5 prime UTR variant (2).
Genome position (GRCh38, 1-based): chr17:58,370,926, C>G on the plus strand (G>C on the coding strand, the complement: RNF43 is on the minus strand). VCF-style: chr17-58370926-C-G. GRCh37 (hg19) VCF-style: chr17-56448287-C-G.
Other names: c.360G>C, p.Leu120= (NM_001305544.3, NM_001438820.1, NM_001438821.1 and 1 more transcripts); c.-22G>C (NM_001305545.2, NM_001437987.1).
Identifiers: ClinVar variation 4875796 (VCV004875796.1).

ClinVar aggregate classification (germline): Benign (1 of 4 stars; one submission).

Conditions:
Sessile serrated polyposis cancer syndrome (SSPCS). Identifiers: Orphanet 157798, MedGen C4310714, MONDO:0014919, OMIM 617108.

Submission:

Myriad Genetics, Inc.
Classification: Benign for Sessile serrated polyposis cancer syndrome. Last evaluated: 2026-06-29. Review status: criteria provided, single submitter. Criteria: Myriad Autosomal Dominant, Autosomal Recessive and X-Linked Classification Criteria (2023). Collection method: clinical testing. Allele origin: unknown.
Comment: This variant is considered benign. This variant is a silent/synonymous amino acid change and it is not expected to impact splicing.